The following is an entry in ClinVar:

NM_006506.5(RASA2):c.2017-1G>T

Gene: RASA2 (RAS p21 protein activator 2; plus strand). Cytogenetic location: 3q23.
Variant type: single nucleotide variant.
Coding change: c.2017-1G>T on transcript NM_006506.5 (MANE Select); the canonical splice acceptor site of the intron before coding-DNA position 2017, G replaced by T.
Molecular consequence: splice acceptor variant.
Genome position (GRCh38, 1-based): chr3:141,608,488, G>T. VCF-style: chr3-141608488-G-T. GRCh37 (hg19) VCF-style: chr3-141327330-G-T.
Other names: c.2020-1G>T (NM_001303245.3); c.2029-1G>T (NM_001303246.3).
Identifiers: ClinVar variation 2892062 (VCV002892062.3), dbSNP rs375186719, ClinGen allele CA2645731.
Genomic context (GRCh38, chr3:141,608,488, plus strand): 5'-TGTACTGTGTGTTGGTTTTTGGACTCTTGTCACTAACTTTTTATCTTAATTGCCTATGAA[G>T]ATGTTCCAAGTAATACATACGGAGAAACCACTCTATGTCCAGGCAAATAACTGTGTAGAA-3'

ClinVar aggregate classification (germline): Uncertain significance (1 of 4 stars; one submission).

Allele frequency attached by ClinVar (database versions not stated): gnomAD exomes below 0.00001; ExAC 0.00001; TOPMed 0.00002; gnomAD 0.00001; ESP Exome Variant Server 0.00008.
gnomAD v4.1: 2 of 1,613,004 alleles (0.00012%); highest among the groups gnomAD compares: African/African-American, 0.0027%; no homozygotes.

Submission:

Labcorp Genetics (formerly Invitae), Labcorp
Classification: Uncertain significance. Last evaluated: 2025-09-23. Review status: criteria provided, single submitter. Criteria: Invitae Variant Classification Sherloc (09022015). Collection method: clinical testing. Allele origin: germline.
Comment: This sequence change affects an acceptor splice site in intron 20 of the RASA2 gene. It is expected to disrupt RNA splicing. Variants that disrupt the donor or acceptor splice site typically lead to a loss of protein function (PMID: 16199547), however the current clinical and genetic evidence is not sufficient to establish whether loss-of-function variants in RASA2 cause disease. This variant is present in population databases (rs375186719, gnomAD 0.007%). This variant has not been reported in the literature in individuals affected with RASA2-related conditions. ClinVar contains an entry for this variant (Variation ID: 2892062). Algorithms developed to predict the effect of sequence changes on RNA splicing suggest that this variant may disrupt the consensus splice site. In summary, the available evidence is currently insufficient to determine the role of this variant in disease. Therefore, it has been classified as a Variant of Uncertain Significance.

Literature cited by the submitters: PubMed 16199547.